The following is an entry in ClinVar:

NM_032444.4(SLX4):c.1540G>T (p.Glu514Ter)

Gene: SLX4 (SLX4 structure-specific endonuclease subunit; minus strand). Cytogenetic location: 16p13.3.
Variant type: single nucleotide variant.
Coding change: c.1540G>T on transcript NM_032444.4 (MANE Select); coding-DNA position 1540, G replaced by T.
Protein change: p.Glu514Ter; replaces glutamic acid 514 with a stop codon.
Molecular consequence: nonsense.
Genome position (GRCh38, 1-based): chr16:3,597,522, C>A on the plus strand (G>T on the coding strand, the complement: SLX4 is on the minus strand). VCF-style: chr16-3597522-C-A. GRCh37 (hg19) VCF-style: chr16-3647523-C-A.
Other names: short protein forms E514*.
Identifiers: ClinVar variation 2847352 (VCV002847352.3), dbSNP rs1460362157, ClinGen allele CA394528854.

ClinVar aggregate classification (germline): Pathogenic (1 of 4 stars; one submission).

Conditions:
Fanconi anemia (FA). Also called: Fanconi's anemia. Identifiers: Orphanet 84, MedGen C0015625, MeSH D005199, MONDO:0019391.

Submission:

Labcorp Genetics (formerly Invitae), Labcorp
Classification: Pathogenic for Fanconi anemia. Last evaluated: 2023-05-27. Review status: criteria provided, single submitter. Criteria: Invitae Variant Classification Sherloc (09022015). Collection method: clinical testing. Allele origin: germline.
Comment: For these reasons, this variant has been classified as Pathogenic. This variant has not been reported in the literature in individuals affected with SLX4-related conditions. This variant is not present in population databases (gnomAD no frequency). This sequence change creates a premature translational stop signal (p.Glu514*) in the SLX4 gene. It is expected to result in an absent or disrupted protein product. Loss-of-function variants in SLX4 are known to be pathogenic (PMID: 21240277).

Literature cited by the submitters: PubMed 21240277.